The following is an entry in ClinVar:

ClinVar aggregate classification (germline): Likely benign (1 of 4 stars; one submission).

Conditions:
MIA3-related condition.

gnomAD v4.1: 2,496 of 1,614,036 alleles (0.15%); highest among the groups gnomAD compares: Non-Finnish European, 0.2%; 3 homozygotes.

Submission:

PreventionGenetics, part of Exact Sciences
Classification: Likely benign for MIA3-related condition. Last evaluated: 2024-11-01. Review status: criteria provided, single submitter. Criteria: ACMG Guidelines, 2015. Collection method: clinical testing. Allele origin: germline.
Comment: This variant is classified as likely benign based on ACMG/AMP sequence variant interpretation guidelines (Richards et al. 2015 PMID: 25741868, with internal and published modifications).

NM_198551.4(MIA3):c.4799A>C (p.Glu1600Ala)

Gene: MIA3 (MIA SH3 domain ER export factor 3; plus strand). Cytogenetic location: 1q41.
Variant type: single nucleotide variant.
Coding change: c.4799A>C on transcript NM_198551.4 (MANE Select); coding-DNA position 4799, A replaced by C.
Protein change: p.Glu1600Ala; replaces glutamic acid 1600 with alanine.
Molecular consequence: missense variant.
Genome position (GRCh38, 1-based): chr1:222,659,650, A>C. VCF-style: chr1-222659650-A-C. GRCh37 (hg19) VCF-style: chr1-222832992-A-C.
Other names: c.1433A>C, p.Glu478Ala (NM_001300867.2, NM_001324065.2); c.4799A>C, p.Glu1600Ala (NM_001324062.2); c.4622A>C, p.Glu1541Ala (NM_001324063.2); c.4307A>C, p.Glu1436Ala (NM_001324064.2); short protein forms E478A, E1436A, E1541A, E1600A.
Identifiers: ClinVar variation 4980562 (VCV004980562.1).